The following is an entry in ClinVar:

NM_014003.4(DHX38):c.1498A>G (p.Arg500Gly)

Gene: DHX38 (DEAH-box helicase 38; plus strand). Cytogenetic location: 16q22.2.
Variant type: single nucleotide variant.
Coding change: c.1498A>G on transcript NM_014003.4 (MANE Select); coding-DNA position 1498, A replaced by G.
Protein change: p.Arg500Gly; replaces arginine 500 with glycine.
Molecular consequence: missense variant.
Genome position (GRCh38, 1-based): chr16:72,101,611, A>G. VCF-style: chr16-72101611-A-G. GRCh37 (hg19) VCF-style: chr16-72135510-A-G.
Other names: short protein forms R500G.
Identifiers: ClinVar variation 1489078 (VCV001489078.5), dbSNP rs1225208757, ClinGen allele CA396707045.

ClinVar aggregate classification (germline): Uncertain significance (1 of 4 stars; one submission).

Allele frequency attached by ClinVar (database versions not stated): gnomAD exomes below 0.00001; gnomAD 0.00001; TOPMed 0.00001.
gnomAD v4.1: 7 of 1,551,234 alleles (0.00045%); highest among the groups gnomAD compares: Non-Finnish European, 0.00061%; no homozygotes.

Submission:

Labcorp Genetics (formerly Invitae), Labcorp
Classification: Uncertain significance. Last evaluated: 2021-09-01. Review status: criteria provided, single submitter. Criteria: Invitae Variant Classification Sherloc (09022015). Collection method: clinical testing. Allele origin: germline.
Comment: This sequence change replaces arginine with glycine at codon 500 of the DHX38 protein (p.Arg500Gly). The arginine residue is highly conserved and there is a moderate physicochemical difference between arginine and glycine. This variant is not present in population databases (ExAC no frequency). This variant has not been reported in the literature in individuals affected with DHX38-related conditions. Algorithms developed to predict the effect of missense changes on protein structure and function are either unavailable or do not agree on the potential impact of this missense change (SIFT: "Deleterious"; PolyPhen-2: "Benign"; Align-GVGD: "Class C45"). Algorithms developed to predict the effect of sequence changes on RNA splicing suggest that this variant may disrupt the consensus splice site. In summary, the available evidence is currently insufficient to determine the role of this variant in disease. Therefore, it has been classified as a Variant of Uncertain Significance.